The following is an entry in ClinVar:

NM_017433.5(MYO3A):c.3880A>G (p.Ile1294Val)

Gene: MYO3A (myosin IIIA; plus strand). Cytogenetic location: 10p12.1.
Variant type: single nucleotide variant.
Coding change: c.3880A>G on transcript NM_017433.5 (MANE Select); coding-DNA position 3880, A replaced by G.
Protein change: p.Ile1294Val; replaces isoleucine 1294 with valine.
Molecular consequence: missense variant.
Genome position (GRCh38, 1-based): chr10:26,174,144, A>G. VCF-style: chr10-26174144-A-G. GRCh37 (hg19) VCF-style: chr10-26463073-A-G.
Other names: short protein forms I1294V.
Identifiers: ClinVar variation 299675 (VCV000299675.21), dbSNP rs56261037, ClinGen allele CA5445336.

ClinVar aggregate classification (germline): Conflicting classifications of pathogenicity. Review status: criteria provided, conflicting classifications (1 of 4 stars). 6 submissions from 6 submitters: Uncertain significance (3); Likely benign (3). Last evaluated 2025-12-22.

Conditions:
Inborn genetic diseases. Identifiers: MedGen C0950123, MeSH D030342.
Autosomal recessive nonsyndromic hearing loss 30. Identifiers: Orphanet 90636, MedGen C1846784, MONDO:0011774, OMIM 607101.

Allele frequency attached by ClinVar (database versions not stated): 1000 Genomes Project 30x 0.00016; 1000 Genomes Project 0.00020; TOPMed 0.00023; ESP Exome Variant Server 0.00031; gnomAD exomes 0.00033 and 0.00041; gnomAD 0.00038 and 0.00041; ExAC 0.00055.
gnomAD v4.1: 550 of 1,614,238 alleles (0.034%); highest among the groups gnomAD compares: Non-Finnish European, 0.037%; 2 homozygotes.

Submissions (6):

Labcorp Genetics (formerly Invitae), Labcorp
Classification: Uncertain significance. Last evaluated: 2025-12-22. Review status: criteria provided, single submitter. Criteria: Invitae Variant Classification Sherloc (09022015). Collection method: clinical testing. Allele origin: germline.
Comment: This sequence change replaces isoleucine, which is neutral and non-polar, with valine, which is neutral and non-polar, at codon 1294 of the MYO3A protein (p.Ile1294Val). This variant is present in population databases (rs56261037, gnomAD 0.09%), and has an allele count higher than expected for a pathogenic variant. This variant has not been reported in the literature in individuals affected with MYO3A-related conditions. ClinVar contains an entry for this variant (Variation ID: 299675). Invitae Evidence Modeling of protein sequence and biophysical properties (such as structural, functional, and spatial information, amino acid conservation, physicochemical variation, residue mobility, and thermodynamic stability) indicates that this missense variant is not expected to disrupt MYO3A protein function with a negative predictive value of 80%. In summary, the available evidence is currently insufficient to determine the role of this variant in disease. Therefore, it has been classified as a Variant of Uncertain Significance.

GeneDx
Classification: Uncertain significance. Last evaluated: 2025-08-02. Review status: criteria provided, single submitter. Criteria: GeneDx Variant Classification Process June 2021. Collection method: clinical testing. Allele origin: germline. Affected: yes.
Comment: In silico analysis suggests that this missense variant does not alter protein structure/function; Has not been previously published as pathogenic or benign to our knowledge

Blueprint Genetics
Classification: Likely benign. Last evaluated: 2024-11-21. Review status: criteria provided, single submitter. Criteria: ACMG Guidelines, 2015. Collection method: clinical testing. Allele origin: germline.

Ambry Genetics
Classification: Likely benign for Inborn genetic diseases. Last evaluated: 2022-04-07. Review status: criteria provided, single submitter. Criteria: Ambry Variant Classification Scheme 2023. Collection method: clinical testing. Allele origin: germline.

Laboratory for Molecular Medicine, Mass General Brigham Personalized Medicine
Classification: Likely benign. Last evaluated: 2020-05-07. Review status: criteria provided, single submitter. Criteria: LMM Criteria. Collection method: clinical testing. Allele origin: germline. Observed: 1 variant allele.
Comment: The p.Ile1294Val variant in MYO3A is classified as likely benign because it has been identified in 0.07% (101/129000) of European chromosomes by gnomAD, including in the homozygous state in 1 individual in gnomAD, and computational prediction tools predict that this variant does not impact the protein. In addition, over 10 mammals have a valine (Val) at this position. ACMG/AMP Criteria applied: BS1_Supporting, BP4_Strong.

Illumina Laboratory Services, Illumina
Classification: Uncertain significance for Autosomal recessive nonsyndromic hearing loss 30. Last evaluated: 2018-01-13. Review status: criteria provided, single submitter. Criteria: ICSL Variant Classification Criteria 13 December 2019. Collection method: clinical testing. Allele origin: germline.